The following is an entry in ClinVar:

NM_001374675.1(HSF4):c.741G>A (p.Glu247=)

Gene: HSF4 (heat shock transcription factor 4; plus strand). Cytogenetic location: 16q22.1.
Variant type: single nucleotide variant.
Coding change: c.741G>A on transcript NM_001374675.1 (MANE Select); coding-DNA position 741, G replaced by A.
Protein change: p.Glu247=; no amino-acid change (glutamic acid 247 retained).
Molecular consequence: synonymous variant. On other transcripts: missense variant (2).
Genome position (GRCh38, 1-based): chr16:67,167,486, G>A. VCF-style: chr16-67167486-G-A. GRCh37 (hg19) VCF-style: chr16-67201389-G-A.
Other names: c.741G>A, p.Glu247= (NM_001040667.3); c.755G>A, p.Arg252Lys (NM_001374674.1, NM_001538.4); short protein forms R252K.
Identifiers: ClinVar variation 320186 (VCV000320186.14), dbSNP rs373435397, ClinGen allele CA8101981.

ClinVar aggregate classification (germline): Uncertain significance. Review status: criteria provided, multiple submitters, no conflicts (2 of 4 stars). 3 submissions from 3 submitters: Uncertain significance (3). Last evaluated 2024-02-05.

Conditions:
Cataract 5 multiple types (CTRCT5). Also called: CATARACT, MARNER TYPE; Lamellar cataract; CATARACT 5, LAMELLAR. Identifiers: Orphanet 91492, MedGen C0266537, MONDO:0007290, OMIM 116800, HP:0007971.
Inborn genetic diseases. Identifiers: MedGen C0950123, MeSH D030342.

Allele frequency attached by ClinVar (database versions not stated): gnomAD exomes below 0.00001 and 0.00001; gnomAD 0.00002; ExAC 0.00001; ESP Exome Variant Server 0.00008; TOPMed 0.00003.
gnomAD v4.1: 8 of 1,613,706 alleles (0.0005%); highest among the groups gnomAD compares: African/African-American, 0.0053%; no homozygotes.

Submissions (3):

Ambry Genetics
Classification: Uncertain significance for Inborn genetic diseases. Last evaluated: 2024-02-05. Review status: criteria provided, single submitter. Criteria: Ambry Variant Classification Scheme 2023. Collection method: clinical testing. Allele origin: germline.

Labcorp Genetics (formerly Invitae), Labcorp
Classification: Uncertain significance for Cataract 5 multiple types. Last evaluated: 2024-02-05. Review status: criteria provided, single submitter. Criteria: Invitae Variant Classification Sherloc (09022015). Collection method: clinical testing. Allele origin: germline.
Comment: This sequence change replaces arginine, which is basic and polar, with lysine, which is basic and polar, at codon 252 of the HSF4 protein (p.Arg252Lys). This variant is present in population databases (rs373435397, gnomAD 0.007%). This variant has not been reported in the literature in individuals affected with HSF4-related conditions. ClinVar contains an entry for this variant (Variation ID: 320186). Advanced modeling of protein sequence and biophysical properties (such as structural, functional, and spatial information, amino acid conservation, physicochemical variation, residue mobility, and thermodynamic stability) performed at Invitae indicates that this missense variant is not expected to disrupt HSF4 protein function with a negative predictive value of 80%. In summary, the available evidence is currently insufficient to determine the role of this variant in disease. Therefore, it has been classified as a Variant of Uncertain Significance.

Illumina Laboratory Services, Illumina
Classification: Uncertain significance for Cataract 5 multiple types. Last evaluated: 2018-01-12. Review status: criteria provided, single submitter. Criteria: ICSL Variant Classification Criteria 13 December 2019. Collection method: clinical testing. Allele origin: germline.